The following is an entry in ClinVar:

ClinVar aggregate classification (germline): Benign (1 of 4 stars; one submission).

Allele frequency attached by ClinVar (database versions not stated): 1000 Genomes Project 0.04193; 1000 Genomes Project 30x 0.04247; TOPMed 0.07983; gnomAD 0.08221 and 0.08493.
gnomAD v4.1: 12,682 of 152,196 alleles (8.3%); highest among the groups gnomAD compares: Non-Finnish European, 13%; 693 homozygotes.

Submission:

GeneDx
Classification: Benign. Last evaluated: 2018-06-19. Review status: criteria provided, single submitter. Criteria: GeneDx Variant Classification (06012015). Collection method: clinical testing. Allele origin: germline. Affected: yes.
Comment: This variant is considered likely benign or benign based on one or more of the following criteria: it is a conservative change, it occurs at a poorly conserved position in the protein, it is predicted to be benign by multiple in silico algorithms, and/or has population frequency not consistent with disease.

NM_003384.3(VRK1):c.161-283C>T

Gene: VRK1 (VRK serine/threonine kinase 1; plus strand). Cytogenetic location: 14q32.2.
Variant type: single nucleotide variant.
Coding change: c.161-283C>T on transcript NM_003384.3 (MANE Select); 283 bases into the intron before coding-DNA position 161, C replaced by T.
Molecular consequence: intron variant.
Genome position (GRCh38, 1-based): chr14:96,837,479, C>T. VCF-style: chr14-96837479-C-T. GRCh37 (hg19) VCF-style: chr14-97303816-C-T.
Identifiers: ClinVar variation 680838 (VCV000680838.1), dbSNP rs77743629, ClinGen allele CA266086388.
Genomic context (GRCh38, chr14:96,837,479, plus strand): 5'-TGTATTACTTATCCTCTGGGGAATTCACAATATCCACTAGCATATCAAAGGCTATTAGTA[C>T]TTTTGAATTAAAGAAATCTTTAACTTATTTAACTCAGTTTCCCATATGTAATTGATAATC-3'